The following is an entry in ClinVar:

NM_001040108.2(MLH3):c.3418T>G (p.Ser1140Ala)

Gene: MLH3 (mutL homolog 3; minus strand). Cytogenetic location: 14q24.3.
Variant type: single nucleotide variant.
Coding change: c.3418T>G on transcript NM_001040108.2 (MANE Select); coding-DNA position 3418, T replaced by G.
Protein change: p.Ser1140Ala; replaces serine 1140 with alanine.
Molecular consequence: missense variant.
Genome position (GRCh38, 1-based): chr14:75,041,662, A>C on the plus strand (T>G on the coding strand, the complement: MLH3 is on the minus strand). VCF-style: chr14-75041662-A-C. GRCh37 (hg19) VCF-style: chr14-75508365-A-C.
Other names: c.3418T>G, p.Ser1140Ala (NM_014381.3); short protein forms S1140A.
Identifiers: ClinVar variation 3396740 (VCV003396740.1).

ClinVar aggregate classification (germline): Uncertain significance (1 of 4 stars; one submission).

Submission:

Ambry Genetics
Classification: Uncertain significance. Last evaluated: 2024-10-07. Review status: criteria provided, single submitter. Criteria: Ambry Variant Classification Scheme 2023. Collection method: clinical testing. Allele origin: germline.
Comment: The p.S1140A variant (also known as c.3418T>G), located in coding exon 3 of the MLH3 gene, results from a T to G substitution at nucleotide position 3418. The serine at codon 1140 is replaced by alanine, an amino acid with similar properties. This amino acid position is conserved. In addition, this alteration is predicted to be tolerated by in silico analysis. Based on the available evidence, the clinical significance of this variant remains unclear.